The following is an entry in ClinVar:

NM_138694.4(PKHD1):c.11888A>T (p.Glu3963Val)

Gene: PKHD1 (PKHD1 ciliary IPT domain containing fibrocystin/polyductin; minus strand). Cytogenetic location: 6p12.3.
Variant type: single nucleotide variant.
Coding change: c.11888A>T on transcript NM_138694.4 (MANE Select); coding-DNA position 11888, A replaced by T.
Protein change: p.Glu3963Val; replaces glutamic acid 3963 with valine.
Molecular consequence: missense variant.
Genome position (GRCh38, 1-based): chr6:51,619,418, T>A on the plus strand (A>T on the coding strand, the complement: PKHD1 is on the minus strand). VCF-style: chr6-51619418-T-A. GRCh37 (hg19) VCF-style: chr6-51484216-T-A.
Other names: c.11888A>T (NM_138694.3); short protein forms E3963V.
Identifiers: ClinVar variation 2045978 (VCV002045978.5), dbSNP rs1396947925, ClinGen allele CA364417323.

ClinVar aggregate classification (germline): Uncertain significance. Review status: criteria provided, multiple submitters, no conflicts (2 of 4 stars). 3 submissions from 3 submitters: Uncertain significance (3). Last evaluated 2026-06-12.

Conditions:
PKHD1-related disorder. Also called: PKHD1-related condition.
Inborn genetic diseases. Identifiers: MedGen C0950123, MeSH D030342.
Autosomal recessive polycystic kidney disease (ARPKD). Also called: AR polycystic kidney disease. Identifiers: Orphanet 731, Orphanet 8378, MedGen C0085548, MeSH D017044, MONDO:0009889.

Allele frequency attached by ClinVar (database versions not stated): gnomAD exomes below 0.00001; gnomAD 0.00003; TOPMed 0.00006.
gnomAD v4.1: 11 of 1,613,602 alleles (0.00068%); highest among the groups gnomAD compares: African/African-American, 0.015%; no homozygotes.

Submissions (3):

PreventionGenetics, part of Exact Sciences
Classification: Uncertain significance for PKHD1-related condition. Last evaluated: 2026-06-12. Review status: criteria provided, single submitter. Criteria: ACMG Guidelines, 2015. Collection method: clinical testing. Allele origin: germline.
Comment: The PKHD1 c.11888A>T variant is predicted to result in the amino acid substitution p.Glu3963Val. To our knowledge, this variant has not been reported in the literature or in a large population database (gnomAD), indicating this variant is rare. At this time, the clinical significance of this variant is uncertain due to the absence of conclusive functional and genetic evidence.

Labcorp Genetics (formerly Invitae), Labcorp
Classification: Uncertain significance for Autosomal recessive polycystic kidney disease. Last evaluated: 2025-06-12. Review status: criteria provided, single submitter. Criteria: Invitae Variant Classification Sherloc (09022015). Collection method: clinical testing. Allele origin: germline.
Comment: This sequence change replaces glutamic acid, which is acidic and polar, with valine, which is neutral and non-polar, at codon 3963 of the PKHD1 protein (p.Glu3963Val). This variant is not present in population databases (gnomAD no frequency). This variant has not been reported in the literature in individuals affected with PKHD1-related conditions. ClinVar contains an entry for this variant (Variation ID: 2045978). Invitae Evidence Modeling of protein sequence and biophysical properties (such as structural, functional, and spatial information, amino acid conservation, physicochemical variation, residue mobility, and thermodynamic stability) indicates that this missense variant is not expected to disrupt PKHD1 protein function with a negative predictive value of 95%. In summary, the available evidence is currently insufficient to determine the role of this variant in disease. Therefore, it has been classified as a Variant of Uncertain Significance.

Ambry Genetics
Classification: Uncertain significance for Inborn genetic diseases. Last evaluated: 2023-08-21. Review status: criteria provided, single submitter. Criteria: Ambry Variant Classification Scheme 2023. Collection method: clinical testing. Allele origin: germline.